The following is an entry in ClinVar:

NM_006230.4(POLD2):c.896T>C (p.Phe299Ser)

Gene: POLD2 (DNA polymerase delta 2, accessory subunit; minus strand). Cytogenetic location: 7p13.
Variant type: single nucleotide variant.
Coding change: c.896T>C on transcript NM_006230.4 (MANE Select); coding-DNA position 896, T replaced by C.
Protein change: p.Phe299Ser; replaces phenylalanine 299 with serine.
Molecular consequence: missense variant.
Genome position (GRCh38, 1-based): chr7:44,116,238, A>G on the plus strand (T>C on the coding strand, the complement: POLD2 is on the minus strand). VCF-style: chr7-44116238-A-G. GRCh37 (hg19) VCF-style: chr7-44155837-A-G.
Other names: c.896T>C, p.Phe299Ser (NM_001127218.3, NM_001256879.2); short protein forms F299S.
Identifiers: ClinVar variation 3699808 (VCV003699808.2).

ClinVar aggregate classification (germline): Uncertain significance (1 of 4 stars; one submission).

Submission:

Labcorp Genetics (formerly Invitae), Labcorp
Classification: Uncertain significance. Last evaluated: 2025-01-10. Review status: criteria provided, single submitter. Criteria: Invitae Variant Classification Sherloc (09022015). Collection method: clinical testing. Allele origin: germline.
Comment: This sequence change replaces phenylalanine, which is neutral and non-polar, with serine, which is neutral and polar, at codon 334 of the POLD2 protein (p.Phe334Ser). This variant is present in population databases (rs78388540, gnomAD 0.02%). This variant has not been reported in the literature in individuals affected with POLD2-related conditions. Experimental studies and prediction algorithms are not available or were not evaluated, and the functional significance of this variant is currently unknown. In summary, the available evidence is currently insufficient to determine the role of this variant in disease. Therefore, it has been classified as a Variant of Uncertain Significance.